The following is an entry in ClinVar:

ClinVar aggregate classification (germline): Likely benign. Review status: criteria provided, multiple submitters, no conflicts (2 of 4 stars). 2 submissions from 2 submitters: Likely benign (2). Last evaluated 2025-12-08.

Allele frequency attached by ClinVar (database versions not stated): ExAC 0.00002; gnomAD 0.00001; gnomAD exomes 0.00001; TOPMed 0.00001.
gnomAD v4.1: 5 of 1,611,340 alleles (0.00031%); highest among the groups gnomAD compares: East Asian, 0.0089%; no homozygotes.

Submissions (2):

Labcorp Genetics (formerly Invitae), Labcorp
Classification: Likely benign. Last evaluated: 2025-12-08. Review status: criteria provided, single submitter. Criteria: Invitae Variant Classification Sherloc (09022015). Collection method: clinical testing. Allele origin: germline.

CeGaT Center for Human Genetics Tuebingen
Classification: Likely benign. Last evaluated: 2024-08-01. Review status: criteria provided, single submitter. Criteria: CeGaT Center For Human Genetics Tuebingen Variant Classification Criteria Version 2. Collection method: clinical testing. Allele origin: germline. Affected: yes. Observed: 1 variant allele.
Comment: CFH: BP4, BP7

NM_000186.4(CFH):c.708A>G (p.Lys236=)

Gene: CFH (complement factor H; plus strand). Cytogenetic location: 1q31.3.
Variant type: single nucleotide variant.
Coding change: c.708A>G on transcript NM_000186.4 (MANE Select); coding-DNA position 708, A replaced by G.
Protein change: p.Lys236=; no amino-acid change (lysine 236 retained).
Molecular consequence: synonymous variant.
Genome position (GRCh38, 1-based): chr1:196,679,711, A>G. VCF-style: chr1-196679711-A-G. GRCh37 (hg19) VCF-style: chr1-196648841-A-G.
Other names: c.708A>G, p.Lys236= (NM_001014975.3).
Identifiers: ClinVar variation 2970777 (VCV002970777.19), dbSNP rs201427724, ClinGen allele CA1305133.